The following is an entry in ClinVar:

ClinVar aggregate classification (germline): Pathogenic. Review status: criteria provided, multiple submitters, no conflicts (2 of 4 stars). 2 submissions from 2 submitters: Pathogenic (2). Last evaluated 2024-02-08.

Conditions:
Tumor predisposition syndrome 3 (TPDS3). Also called: Glioma susceptibility 9; LONG TELOMERE SYNDROME, POT1-RELATED; POT1 Tumor Predisposition; Melanoma, cutaneous malignant, susceptibility to, 10. Identifiers: Orphanet 618, MedGen C4014476, MONDO:0014368, OMIM 615848.
Hereditary cancer-predisposing syndrome. Also called: Neoplastic Syndromes, Hereditary; Tumor predisposition; Hereditary Cancer Syndrome; Hereditary neoplastic syndrome. Identifiers: Orphanet 140162, MedGen C0027672, MeSH D009386, MONDO:0015356.

Submissions (2):

Ambry Genetics
Classification: Pathogenic for Hereditary cancer-predisposing syndrome. Last evaluated: 2024-02-08. Review status: criteria provided, single submitter. Criteria: Ambry Variant Classification Scheme 2023. Collection method: clinical testing. Allele origin: germline.
Comment: The c.212dupT pathogenic mutation, located in coding exon 3 of the POT1 gene, results from a duplication of T at nucleotide position 212, causing a translational frameshift with a predicted alternate stop codon (p.I72Nfs*3). This variant is considered to be rare based on population cohorts in the Genome Aggregation Database (gnomAD). This alteration is expected to result in loss of function by premature protein truncation or nonsense-mediated mRNA decay. As such, this alteration is interpreted as a disease-causing mutation.

Labcorp Genetics (formerly Invitae), Labcorp
Classification: Pathogenic for Tumor predisposition syndrome 3. Last evaluated: 2021-07-23. Review status: criteria provided, single submitter. Criteria: Invitae Variant Classification Sherloc (09022015). Collection method: clinical testing. Allele origin: germline.
Comment: For these reasons, this variant has been classified as Pathogenic. This variant has not been reported in the literature in individuals affected with POT1-related conditions. This variant is not present in population databases (ExAC no frequency). This sequence change creates a premature translational stop signal (p.Ile72Asnfs*3) in the POT1 gene. It is expected to result in an absent or disrupted protein product. Loss-of-function variants in POT1 are known to be pathogenic (PMID: 32155570).

Literature cited by the submitters: PubMed 32155570 (cited by Labcorp Genetics (formerly Invitae), Labcorp).

NM_015450.3(POT1):c.212dup (p.Ile72fs)

Gene: POT1 (protection of telomeres 1; minus strand). Cytogenetic location: 7q31.33.
Variant type: Duplication.
Coding change: c.212dup on transcript NM_015450.3 (MANE Select); coding-DNA position 212, one base duplicated (T; older notation c.212dupT).
Protein change: p.Ile72fs; shifts the reading frame from isoleucine 72.
Molecular consequence: frameshift variant. On other transcripts: non-coding transcript variant (3), intron variant (1).
Genome position (GRCh38, 1-based): chr7:124,870,954, A duplicated on the plus strand (T on the coding strand, the reverse complement: POT1 is on the minus strand). VCF-style (leftmost placement, unchanged base first): chr7-124870953-T-TA. GRCh37 (hg19) VCF-style: chr7-124511007-T-TA.
Other names: c.-138-7314dup (NM_001042594.2); c.212dupT (NM_015450.2); short protein forms I72fs.
Identifiers: ClinVar variation 946774 (VCV000946774.9), dbSNP rs1795852638, ClinGen allele CA1139660232.
Genomic context (GRCh38, chr7:124,870,953, plus strand): 5'-AGACAATATGAATTATACCTTCAGCCTGTGAAAGCGAACAATATCTCCATTTTTATAAAT[T>TA]ATTGGAAGGGCTTCATAGTTTCCACTAAAGAGCAGGCAAGTTAGTTTTACATTTGTCTGG-3'